The following is an entry in ClinVar:

ClinVar aggregate classification (germline): Conflicting classifications of pathogenicity. Review status: criteria provided, conflicting classifications (1 of 4 stars). 2 submissions from 2 submitters: Uncertain significance (1); Likely benign (1). Last evaluated 2025-08-03.

Allele frequency attached by ClinVar (database versions not stated): ExAC 0.00005; ESP Exome Variant Server 0.00008; gnomAD 0.00009; TOPMed 0.00011; 1000 Genomes Project 30x 0.00031; 1000 Genomes Project 0.00040.
gnomAD v4.1: 57 of 1,613,208 alleles (0.0035%); highest among the groups gnomAD compares: Admixed American, 0.023%; 1 homozygote.

Submissions (2):

Ambry Genetics
Classification: Uncertain significance. Last evaluated: 2025-08-03. Review status: criteria provided, single submitter. Criteria: Ambry Variant Classification Scheme 2023. Collection method: clinical testing. Allele origin: germline.

CeGaT Center for Human Genetics Tuebingen
Classification: Likely benign. Last evaluated: 2022-05-01. Review status: criteria provided, single submitter. Criteria: CeGaT Center For Human Genetics Tuebingen Variant Classification Criteria Version 2. Collection method: clinical testing. Allele origin: germline. Affected: yes. Observed: 1 variant allele.
Comment: PLXNA1: BP4

NM_032242.4(PLXNA1):c.956G>A (p.Arg319Gln)

Gene: PLXNA1 (plexin A1; plus strand). Cytogenetic location: 3q21.3.
Variant type: single nucleotide variant.
Coding change: c.956G>A on transcript NM_032242.4 (MANE Select); coding-DNA position 956, G replaced by A.
Protein change: p.Arg319Gln; replaces arginine 319 with glutamine.
Molecular consequence: missense variant.
Genome position (GRCh38, 1-based): chr3:126,989,549, G>A. VCF-style: chr3-126989549-G-A. GRCh37 (hg19) VCF-style: chr3-126708392-G-A.
Other names: c.956G>A (NM_032242.3); short protein forms R319Q.
Identifiers: ClinVar variation 2654098 (VCV002654098.25), dbSNP rs377693045, ClinGen allele CA2593087.